The following is an entry in ClinVar:

ClinVar aggregate classification (germline): Uncertain significance (1 of 4 stars; one submission).

Submission:

Mayo Clinic Laboratories, Mayo Clinic
Classification: Uncertain significance. Last evaluated: 2022-04-04. Review status: criteria provided, single submitter. Criteria: ACMG Guidelines, 2015. Collection method: clinical testing. Allele origin: germline. Observed: 1 variant allele.
Comment: PP3, PM2

NM_004086.3(COCH):c.1166T>C (p.Phe389Ser)

Genes: COCH (cochlin; plus strand), LOC100506071 (uncharacterized LOC100506071; minus strand). Cytogenetic location: 14q12.
Variant type: single nucleotide variant.
Coding change: c.1166T>C on transcript NM_004086.3 (MANE Select); coding-DNA position 1166, T replaced by C.
Protein change: p.Phe389Ser; replaces phenylalanine 389 with serine.
Molecular consequence: missense variant. On other transcripts: non-coding transcript variant (1).
Genome position (GRCh38, 1-based): chr14:30,886,001, T>C. VCF-style: chr14-30886001-T-C. GRCh37 (hg19) VCF-style: chr14-31355207-T-C.
Other names: p.Phe389Ser; c.1166T>C, p.Phe389Ser (NM_001135058.2); c.1361T>C, p.Phe454Ser (NM_001347720.2); short protein forms F389S, F454S.
Identifiers: ClinVar variation 2683248 (VCV002683248.1), dbSNP rs2502753475, ClinGen allele CA389348424.